The following is an entry in ClinVar:

ClinVar aggregate classification (germline): Uncertain significance (1 of 4 stars; one submission).

Submission:

Labcorp Genetics (formerly Invitae), Labcorp
Classification: Uncertain significance. Last evaluated: 2023-08-10. Review status: criteria provided, single submitter. Criteria: Invitae Variant Classification Sherloc (09022015). Collection method: clinical testing. Allele origin: germline.
Comment: This sequence change replaces lysine, which is basic and polar, with arginine, which is basic and polar, at codon 218 of the CLDN14 protein (p.Lys218Arg). This variant is not present in population databases (gnomAD no frequency). This variant has not been reported in the literature in individuals affected with CLDN14-related conditions. ClinVar contains an entry for this variant (Variation ID: 2044961). An algorithm developed to predict the effect of missense changes on protein structure and function (PolyPhen-2) suggests that this variant is likely to be disruptive. In summary, the available evidence is currently insufficient to determine the role of this variant in disease. Therefore, it has been classified as a Variant of Uncertain Significance.

NM_001146079.2(CLDN14):c.653A>G (p.Lys218Arg)

Genes: CLDN14 (claudin 14; minus strand), CLDN14-AS1 (CLDN14 antisense RNA 1; plus strand). Cytogenetic location: 21q22.13.
Variant type: single nucleotide variant.
Coding change: c.653A>G on transcript NM_001146079.2 (MANE Select); coding-DNA position 653, A replaced by G.
Protein change: p.Lys218Arg; replaces lysine 218 with arginine.
Molecular consequence: missense variant.
Genome position (GRCh38, 1-based): chr21:36,461,043, T>C on the plus strand (A>G on the coding strand, the complement: CLDN14 is on the minus strand). VCF-style: chr21-36461043-T-C. GRCh37 (hg19) VCF-style: chr21-37833341-T-C.
Other names: c.653A>G, p.Lys218Arg (NM_001146077.2, NM_001146078.3, NM_012130.4 and 1 more transcripts); short protein forms K218R.
Identifiers: ClinVar variation 2044961 (VCV002044961.4), dbSNP rs2517044333, ClinGen allele CA409880640.